The following is an entry in ClinVar:

NM_005188.4(CBL):c.880C>T (p.Arg294Trp)

Gene: CBL (Cbl proto-oncogene; plus strand). Cytogenetic location: 11q23.3.
Variant type: single nucleotide variant.
Coding change: c.880C>T on transcript NM_005188.4 (MANE Select); coding-DNA position 880, C replaced by T.
Protein change: p.Arg294Trp; replaces arginine 294 with tryptophan.
Molecular consequence: missense variant.
Genome position (GRCh38, 1-based): chr11:119,276,007, C>T. VCF-style: chr11-119276007-C-T. GRCh37 (hg19) VCF-style: chr11-119146717-C-T.
Other names: short protein forms R294W.
Identifiers: ClinVar variation 2165160 (VCV002165160.5), dbSNP rs1949886794, ClinGen allele CA382911339.

ClinVar aggregate classification (germline): Uncertain significance. Review status: criteria provided, multiple submitters, no conflicts (2 of 4 stars). 2 submissions from 2 submitters: Uncertain significance (2). Last evaluated 2025-10-18.

Conditions:
CBL-related disorder. Also called: CBL MUTATION-ASSOCIATED SYNDROME; CBL SYNDROME; NOONAN SYNDROME-LIKE DISORDER WITHOUT JUVENILE MYELOMONOCYTIC LEUKEMIA. Identifiers: Orphanet 363972, MedGen C3150803, MONDO:0013308, OMIM 613563.
RASopathy. Also called: rasopathies; Noonan spectrum disorder. Identifiers: Orphanet 536391, MedGen C5555857, MONDO:0021060.

Allele frequency attached by ClinVar (database versions not stated): gnomAD 0.00001; TOPMed 0.00001.
gnomAD v4.1: 12 of 1,613,938 alleles (0.00074%); highest among the groups gnomAD compares: Admixed American, 0.0017%; no homozygotes.

Submissions (2):

Labcorp Genetics (formerly Invitae), Labcorp
Classification: Uncertain significance for RASopathy. Last evaluated: 2025-10-18. Review status: criteria provided, single submitter. Criteria: Invitae Variant Classification Sherloc (09022015). Collection method: clinical testing. Allele origin: germline.
Comment: This sequence change replaces arginine, which is basic and polar, with tryptophan, which is neutral and slightly polar, at codon 294 of the CBL protein (p.Arg294Trp). This variant is not present in population databases (gnomAD no frequency). This variant has not been reported in the literature in individuals affected with CBL-related conditions. ClinVar contains an entry for this variant (Variation ID: 2165160). Invitae Evidence Modeling of protein sequence and biophysical properties (such as structural, functional, and spatial information, amino acid conservation, physicochemical variation, residue mobility, and thermodynamic stability) indicates that this missense variant is expected to disrupt CBL protein function with a positive predictive value of 95%. In summary, the available evidence is currently insufficient to determine the role of this variant in disease. Therefore, it has been classified as a Variant of Uncertain Significance.

PreventionGenetics, part of Exact Sciences
Classification: Uncertain significance for CBL-related condition. Last evaluated: 2023-09-22. Review status: criteria provided, single submitter. Criteria: ACMG Guidelines, 2015. Collection method: clinical testing. Allele origin: germline.
Comment: The CBL c.880C>T variant is predicted to result in the amino acid substitution p.Arg294Trp. To our knowledge, this variant has not been reported in the literature or in a large population database, indicating this variant is rare. At this time, the clinical significance of this variant is uncertain due to the absence of conclusive functional and genetic evidence.